The following is an entry in ClinVar:

NM_004385.5(VCAN):c.8248G>A (p.Glu2750Lys)

Genes: VCAN (versican; plus strand), VCAN-AS1 (VCAN antisense RNA 1; minus strand). Cytogenetic location: 5q14.3.
Variant type: single nucleotide variant.
Coding change: c.8248G>A on transcript NM_004385.5 (MANE Select); coding-DNA position 8248, G replaced by A.
Protein change: p.Glu2750Lys; replaces glutamic acid 2750 with lysine.
Molecular consequence: missense variant. On other transcripts: intron variant (2).
Genome position (GRCh38, 1-based): chr5:83,541,251, G>A. VCF-style: chr5-83541251-G-A. GRCh37 (hg19) VCF-style: chr5-82837070-G-A.
Other names: c.5287G>A, p.Glu1763Lys (NM_001164097.2); c.4004-4286G>A (NM_001164098.2); c.1043-4286G>A (NM_001126336.3); short protein forms E1763K, E2750K.
Identifiers: ClinVar variation 1001684 (VCV001001684.9), dbSNP rs1746974988, ClinGen allele CA360316503.

ClinVar aggregate classification (germline): Uncertain significance (1 of 4 stars; one submission).

Allele frequency attached by ClinVar (database versions not stated): TOPMed below 0.00001.

Submission:

Labcorp Genetics (formerly Invitae), Labcorp
Classification: Uncertain significance. Last evaluated: 2020-02-07. Review status: criteria provided, single submitter. Criteria: Invitae Variant Classification Sherloc (09022015). Collection method: clinical testing. Allele origin: germline.
Comment: This sequence change replaces glutamic acid with lysine at codon 2750 of the VCAN protein (p.Glu2750Lys). The glutamic acid residue is highly conserved and there is a small physicochemical difference between glutamic acid and lysine. This variant is not present in population databases (ExAC no frequency). This variant has not been reported in the literature in individuals with VCAN-related conditions. Algorithms developed to predict the effect of missense changes on protein structure and function are either unavailable or do not agree on the potential impact of this missense change (SIFT: "Deleterious"; PolyPhen-2: "Probably Damaging"; Align-GVGD: "Class C15"). In summary, the available evidence is currently insufficient to determine the role of this variant in disease. Therefore, it has been classified as a Variant of Uncertain Significance.